The following is an entry in ClinVar:

NM_006258.4(PRKG1):c.1662C>T (p.Ala554=)

Gene: PRKG1 (protein kinase cGMP-dependent 1; plus strand). Cytogenetic location: 10q21.1.
Variant type: single nucleotide variant.
Coding change: c.1662C>T on transcript NM_006258.4 (MANE Select); coding-DNA position 1662, C replaced by T.
Protein change: p.Ala554=; no amino-acid change (alanine 554 retained).
Molecular consequence: synonymous variant.
Genome position (GRCh38, 1-based): chr10:52,282,269, C>T. VCF-style: chr10-52282269-C-T. GRCh37 (hg19) VCF-style: chr10-54042029-C-T.
Other names: c.1617C>T, p.Ala539= (NM_001098512.3); c.453C>T, p.Ala151= (NM_001374781.1).
Identifiers: ClinVar variation 701452 (VCV000701452.19), dbSNP rs374202731, ClinGen allele CA5503904.
Genomic context (GRCh38, chr10:52,282,269, plus strand): 5'-TGGGACTCCAGAGTATGTAGCCCCAGAGATCATCCTGAACAAAGGCCATGACATTTCAGC[C>T]GACTACTGGTCACTGGGAATCCTAATGTATGAACTCCTGACTGGCAGGTATGGATATTGA-3'
Protein context (NP_006249.1, residues 544-564): IILNKGHDIS[Ala554=]DYWSLGILMY

ClinVar aggregate classification (germline): Benign/Likely benign. Review status: criteria provided, multiple submitters, no conflicts (2 of 4 stars). 6 submissions from 6 submitters: Benign (1); Likely benign (4). 1 of the submissions does not count toward it. Last evaluated 2025-01-20.

Conditions:
PRKG1-related disorder. Also called: PRKG1-related condition.
Aortic aneurysm, familial thoracic 8 (AAT8). Identifiers: MedGen C3809513, MONDO:0014187, OMIM 615436.
Familial thoracic aortic aneurysm and aortic dissection (TAAD). Also called: Thoracic aortic aneurysms and dissections. Identifiers: Orphanet 91387, MedGen C4707243, MONDO:0019625.

Allele frequency attached by ClinVar (database versions not stated): ESP Exome Variant Server 0.00008; gnomAD exomes 0.00008; ExAC 0.00010; gnomAD 0.00011; TOPMed 0.00012.
gnomAD v4.1: 75 of 1,609,910 alleles (0.0047%); highest among the groups gnomAD compares: African/African-American, 0.027%; no homozygotes.

Submissions (6):

Labcorp Genetics (formerly Invitae), Labcorp
Classification: Likely benign for Aortic aneurysm, familial thoracic 8. Last evaluated: 2025-01-20. Review status: criteria provided, single submitter. Criteria: Invitae Variant Classification Sherloc (09022015). Collection method: clinical testing. Allele origin: germline.

Blueprint Genetics
Classification: Likely benign. Last evaluated: 2024-11-18. Review status: criteria provided, single submitter. Criteria: ACMG Guidelines, 2015. Collection method: clinical testing. Allele origin: germline.

Women's Health and Genetics/Laboratory Corporation of America, LabCorp
Classification: Benign. Last evaluated: 2023-10-23. Review status: criteria provided, single submitter. Criteria: LabCorp Variant Classification Summary - May 2015. Collection method: clinical testing. Allele origin: germline.

GeneDx
Classification: Likely benign. Last evaluated: 2021-05-11. Review status: criteria provided, single submitter. Criteria: GeneDx Variant Classification Process June 2021. Collection method: clinical testing. Allele origin: germline. Affected: yes.

Ambry Genetics
Classification: Likely benign for Familial thoracic aortic aneurysm and aortic dissection. Last evaluated: 2020-11-25. Review status: criteria provided, single submitter. Criteria: Ambry Variant Classification Scheme 2023. Collection method: clinical testing. Allele origin: germline.

PreventionGenetics, part of Exact Sciences
Classification: Likely benign for PRKG1-related condition. Last evaluated: 2022-05-24. Review status: no assertion criteria provided. Collection method: clinical testing. Allele origin: germline. Not counted in ClinVar's aggregate classification.
Comment: This variant is classified as likely benign based on ACMG/AMP sequence variant interpretation guidelines (Richards et al. 2015 PMID: 25741868, with internal and published modifications).